The following is an entry in ClinVar:

ClinVar aggregate classification (germline): Uncertain significance. Review status: criteria provided, multiple submitters, no conflicts (2 of 4 stars). 4 submissions from 4 submitters: Uncertain significance (4). Last evaluated 2023-04-13.

Conditions:
Hereditary cancer-predisposing syndrome. Also called: Tumor predisposition; Neoplastic Syndromes, Hereditary; Hereditary Cancer Syndrome; Hereditary neoplastic syndrome. Identifiers: Orphanet 140162, MedGen C0027672, MeSH D009386, MONDO:0015356.
Hereditary breast ovarian cancer syndrome. Also called: Hereditary breast and ovarian cancer; Hereditary breast and ovarian cancer syndrome (HBOC); BRCA1- and BRCA2-Associated Hereditary Breast and Ovarian Cancer; Breast and ovarian cancer; Hereditary breast and ovarian cancer syndrome; Hereditary breast and/or ovarian cancer syndrome. Identifiers: Orphanet 145, MedGen C0677776, MeSH D061325, MONDO:0003582. Disease mechanism: loss of function.
Breast-ovarian cancer, familial, susceptibility to, 2 (BROVCA2). Also called: BRCA2 Hereditary Breast and Ovarian Cancer. Identifiers: Orphanet 145, MedGen C2675520, MONDO:0012933, OMIM 612555. Disease mechanism: loss of function.

Submissions (4):

Ambry Genetics
Classification: Uncertain significance for Hereditary cancer-predisposing syndrome. Last evaluated: 2023-04-13. Review status: criteria provided, single submitter. Criteria: Ambry Variant Classification Scheme 2023. Collection method: clinical testing. Allele origin: germline.
Comment: The p.P3089L variant (also known as c.9266C>T), located in coding exon 24 of the BRCA2 gene, results from a C to T substitution at nucleotide position 9266. The proline at codon 3089 is replaced by leucine, an amino acid with similar properties. This amino acid position is well conserved in available vertebrate species. In addition, the in silico prediction for this alteration is inconclusive. Since supporting evidence is limited at this time, the clinical significance of this alteration remains unclear.

Labcorp Genetics (formerly Invitae), Labcorp
Classification: Uncertain significance for Hereditary breast ovarian cancer syndrome. Last evaluated: 2022-09-01. Review status: criteria provided, single submitter. Criteria: Invitae Variant Classification Sherloc (09022015). Collection method: clinical testing. Allele origin: germline.
Comment: This variant is not present in population databases (gnomAD no frequency). This sequence change replaces proline, which is neutral and non-polar, with leucine, which is neutral and non-polar, at codon 3089 of the BRCA2 protein (p.Pro3089Leu). In summary, the available evidence is currently insufficient to determine the role of this variant in disease. Therefore, it has been classified as a Variant of Uncertain Significance. Advanced modeling of protein sequence and biophysical properties (such as structural, functional, and spatial information, amino acid conservation, physicochemical variation, residue mobility, and thermodynamic stability) performed at Invitae indicates that this missense variant is not expected to disrupt BRCA2 protein function. ClinVar contains an entry for this variant (Variation ID: 491374). This missense change has been observed in individual(s) with breast cancer (PMID: 27165220).

Color Diagnostics, LLC DBA Color Health
Classification: Uncertain significance for Hereditary cancer-predisposing syndrome. Last evaluated: 2019-04-17. Review status: criteria provided, single submitter. Criteria: ACMG Guidelines, 2015. Collection method: clinical testing. Allele origin: germline.

Genomic Research Center, Shahid Beheshti University of Medical Sciences
Classification: Uncertain significance for Breast-ovarian cancer, familial, susceptibility to, 2. Last evaluated: 2017-12-03. Review status: criteria provided, single submitter. Criteria: ACMG Guidelines, 2015. Collection method: clinical testing. Allele origin: inherited. Affected: yes.

Literature cited by the submitters: PubMed 27165220 (cited by Labcorp Genetics (formerly Invitae), Labcorp).

NM_000059.4(BRCA2):c.9266C>T (p.Pro3089Leu)

Gene: BRCA2 (BRCA2 DNA repair associated; plus strand). Cytogenetic location: 13q13.1.
Variant type: single nucleotide variant.
Coding change: c.9266C>T on transcript NM_000059.4 (MANE Select); coding-DNA position 9266, C replaced by T.
Protein change: p.Pro3089Leu; replaces proline 3089 with leucine.
Molecular consequence: missense variant.
Genome position (GRCh38, 1-based): chr13:32,394,698, C>T. VCF-style: chr13-32394698-C-T. GRCh37 (hg19) VCF-style: chr13-32968835-C-T.
Other names: short protein forms P3089L.
Identifiers: ClinVar variation 491374 (VCV000491374.16), dbSNP rs1555289499, ClinGen allele CA387760744.